The following is an entry in ClinVar:

NM_001540.5(HSPB1):c.369G>C (p.Lys123Asn)

Gene: HSPB1 (heat shock protein family B (small) member 1; plus strand). Cytogenetic location: 7q11.23.
Variant type: single nucleotide variant.
Coding change: c.369G>C on transcript NM_001540.5 (MANE Select); coding-DNA position 369, G replaced by C.
Protein change: p.Lys123Asn; replaces lysine 123 with asparagine.
Molecular consequence: missense variant.
Genome position (GRCh38, 1-based): chr7:76,303,806, G>C. VCF-style: chr7-76303806-G-C. GRCh37 (hg19) VCF-style: chr7-75933123-G-C.
Other names: c.369G>C (LRG_248t1); short protein forms K123N.
Identifiers: ClinVar variation 533812 (VCV000533812.20), dbSNP rs755233365, ClinGen allele CA4306365.
Genomic context (GRCh38, chr7:76,303,806, plus strand): 5'-CGGGGCCGAAAGGCAGTCCCCTCCCCCGCAGTCTGATTTCCCTCTTCCCCCCAAAGGCAA[G>C]CACGAGGAGCGGCAGGACGAGCATGGCTACATCTCCCGGTGCTTCACGCGGAAATACACG-3'
Protein context (NP_001531.1, residues 113-133): TKDGVVEITG[Lys123Asn]HEERQDEHGY

ClinVar aggregate classification (germline): Uncertain significance. Review status: criteria provided, multiple submitters, no conflicts (2 of 4 stars). 2 submissions from 2 submitters: Uncertain significance (2). Last evaluated 2025-06-01.

Conditions:
Charcot-Marie-Tooth disease axonal type 2F (CMT2F). Also called: Charcot-Marie-Tooth Neuropathy Type 2F; CHARCOT-MARIE-TOOTH DISEASE, NEURONAL, TYPE 2F. Identifiers: Orphanet 99940, MedGen C1847823, MONDO:0011687, OMIM 606595.

Allele frequency attached by ClinVar (database versions not stated): TOPMed 0.00001; gnomAD exomes 0.00002 and 0.00004; ExAC 0.00001.
gnomAD v4.1: 54 of 1,608,226 alleles (0.0034%); highest among the groups gnomAD compares: Non-Finnish European, 0.0046%; no homozygotes.

Submissions (2):

CeGaT Center for Human Genetics Tuebingen
Classification: Uncertain significance. Last evaluated: 2025-06-01. Review status: criteria provided, single submitter. Criteria: CeGaT Center For Human Genetics Tuebingen Variant Classification Criteria Version 2. Collection method: clinical testing. Allele origin: germline. Affected: yes. Observed: 1 variant allele.
Comment: HSPB1: PP3

Labcorp Genetics (formerly Invitae), Labcorp
Classification: Uncertain significance for Charcot-Marie-Tooth disease axonal type 2F. Last evaluated: 2022-10-17. Review status: criteria provided, single submitter. Criteria: Invitae Variant Classification Sherloc (09022015). Collection method: clinical testing. Allele origin: germline.
Comment: This sequence change replaces lysine, which is basic and polar, with asparagine, which is neutral and polar, at codon 123 of the HSPB1 protein (p.Lys123Asn). This variant is present in population databases (rs755233365, gnomAD 0.005%). In summary, the available evidence is currently insufficient to determine the role of this variant in disease. Therefore, it has been classified as a Variant of Uncertain Significance. Advanced modeling of protein sequence and biophysical properties (such as structural, functional, and spatial information, amino acid conservation, physicochemical variation, residue mobility, and thermodynamic stability) performed at Invitae indicates that this missense variant is expected to disrupt HSPB1 protein function. ClinVar contains an entry for this variant (Variation ID: 533812). This variant has not been reported in the literature in individuals affected with HSPB1-related conditions.